The following is an entry in ClinVar:

NM_006421.5(ARFGEF1):c.1573-5C>A

Gene: ARFGEF1 (ARF guanine nucleotide exchange factor 1; minus strand). Cytogenetic location: 8q13.2.
Variant type: single nucleotide variant.
Coding change: c.1573-5C>A on transcript NM_006421.5 (MANE Select); 5 bases into the intron before coding-DNA position 1573, C replaced by A.
Molecular consequence: intron variant.
Genome position (GRCh38, 1-based): chr8:67,267,447, G>T on the plus strand (C>A on the coding strand, the complement: ARFGEF1 is on the minus strand). VCF-style: chr8-67267447-G-T. GRCh37 (hg19) VCF-style: chr8-68179682-G-T.
Other names: c.1573-5C>A (NM_001413186.1, NM_001413187.1, NM_001413185.1 and 7 more transcripts); c.973-5C>A (NM_001413188.1, NM_001413197.1, NM_001413193.1); c.148-5C>A (NM_001413196.1).
Identifiers: ClinVar variation 4884165 (VCV004884165.2).

ClinVar aggregate classification (germline): Likely benign (1 of 4 stars; one submission).

Conditions:
Developmental delay, impaired speech, and behavioral abnormalities, with or without seizures (DEDISB). Identifiers: MedGen C5575272, MONDO:0859263, OMIM 619964.

gnomAD v4.1: 3 of 1,536,890 alleles (0.0002%); highest among the groups gnomAD compares: African/African-American, 0.0041%; no homozygotes.

Submission:

Dasa
Classification: Likely benign for developmental delay, impaired speech, and behavioral abnormalities, with or without seizures. Last evaluated: 2025-11-18. Review status: criteria provided, single submitter. Criteria: DASA Assertion Criteria. Collection method: clinical testing. Allele origin: germline.
Comment: NM_006421.5(ARFGEF1):c.1573-5C>A is a splice-region variant. The variant context is inconsistent with a known disease-causing mechanism. Computational prediction algorithms are consistent with a benign effect. Therefore, based on the currently available evidence, this variant is classified as likely benign.